The following is an entry in ClinVar:

NM_003011.4(SET):c.518C>T (p.Thr173Met)

Gene: SET (SET nuclear proto-oncogene; plus strand). Cytogenetic location: 9q34.11.
Variant type: single nucleotide variant.
Coding change: c.518C>T on transcript NM_003011.4 (MANE Select); coding-DNA position 518, C replaced by T.
Protein change: p.Thr173Met; replaces threonine 173 with methionine.
Molecular consequence: missense variant.
Genome position (GRCh38, 1-based): chr9:128,693,663, C>T. VCF-style: chr9-128693663-C-T. GRCh37 (hg19) VCF-style: chr9-131455942-C-T.
Other names: c.557C>T, p.Thr186Met (NM_001122821.2, NM_001374326.1); c.491C>T, p.Thr164Met (NM_001248000.2); c.485C>T, p.Thr162Met (NM_001248001.2); short protein forms T164M, T173M, T186M, T162M.
Identifiers: ClinVar variation 2240718 (VCV002240718.3), dbSNP rs150832256, ClinGen allele CA5267036.

ClinVar aggregate classification (germline): Likely benign. Review status: criteria provided, multiple submitters, no conflicts (2 of 4 stars). 2 submissions from 2 submitters: Likely benign (2). Last evaluated 2026-07-01.

Conditions:
Inborn genetic diseases. Identifiers: MedGen C0950123, MeSH D030342.

Allele frequency attached by ClinVar (database versions not stated): gnomAD exomes 0.00019; gnomAD 0.00022; TOPMed 0.00024; ExAC 0.00030; ESP Exome Variant Server 0.00046.
gnomAD v4.1: 337 of 1,612,654 alleles (0.021%); highest among the groups gnomAD compares: South Asian, 0.0055%; 1 homozygote.

Submissions (2):

CeGaT Center for Human Genetics Tuebingen
Classification: Likely benign. Last evaluated: 2026-07-01. Review status: criteria provided, single submitter. Criteria: CeGaT Center For Human Genetics Tuebingen Variant Classification Criteria Version 2. Collection method: clinical testing. Allele origin: germline. Affected: yes. Observed: 1 variant allele.
Comment: SET: BS2

Ambry Genetics
Classification: Likely benign for Inborn genetic diseases. Last evaluated: 2021-08-23. Review status: criteria provided, single submitter. Criteria: Ambry Variant Classification Scheme 2023. Collection method: clinical testing. Allele origin: germline.